The following is an entry in ClinVar:

ClinVar aggregate classification (germline): Uncertain significance (1 of 4 stars; one submission).

Conditions:
T-B+ severe combined immunodeficiency due to JAK3 deficiency. Also called: SCID, T CELL-NEGATIVE, B CELL-POSITIVE, NK CELL-NEGATIVE; SCID, autosomal recessive, T-negative/B-positive type. Identifiers: Orphanet 35078, MedGen C1833275, MONDO:0010938, OMIM 600802.

Allele frequency attached by ClinVar (database versions not stated): TOPMed 0.00002.
gnomAD v4.1: 4 of 1,611,620 alleles (0.00025%); highest among the groups gnomAD compares: African/African-American, 0.004%; no homozygotes.

Submission:

Labcorp Genetics (formerly Invitae), Labcorp
Classification: Uncertain significance for T-B+ severe combined immunodeficiency due to JAK3 deficiency. Last evaluated: 2024-10-16. Review status: criteria provided, single submitter. Criteria: Invitae Variant Classification Sherloc (09022015). Collection method: clinical testing. Allele origin: germline.
Comment: This sequence change replaces histidine, which is basic and polar, with glutamine, which is neutral and polar, at codon 27 of the JAK3 protein (p.His27Gln). This variant is present in population databases (no rsID available, gnomAD 0.01%). This missense change has been observed in individual(s) with primary immunodeficiency (PMID: 29049190). ClinVar contains an entry for this variant (Variation ID: 464101). Invitae Evidence Modeling of protein sequence and biophysical properties (such as structural, functional, and spatial information, amino acid conservation, physicochemical variation, residue mobility, and thermodynamic stability) indicates that this missense variant is not expected to disrupt JAK3 protein function with a negative predictive value of 95%. In summary, the available evidence is currently insufficient to determine the role of this variant in disease. Therefore, it has been classified as a Variant of Uncertain Significance.

Literature cited by the submitters: PubMed 29049190.

NM_000215.4(JAK3):c.81T>A (p.His27Gln)

Gene: JAK3 (Janus kinase 3; minus strand). Cytogenetic location: 19p13.11.
Variant type: single nucleotide variant.
Coding change: c.81T>A on transcript NM_000215.4 (MANE Select); coding-DNA position 81, T replaced by A.
Protein change: p.His27Gln; replaces histidine 27 with glutamine.
Molecular consequence: missense variant.
Genome position (GRCh38, 1-based): chr19:17,844,337, A>T on the plus strand (T>A on the coding strand, the complement: JAK3 is on the minus strand). VCF-style: chr19-17844337-A-T. GRCh37 (hg19) VCF-style: chr19-17955146-A-T.
Other names: short protein forms H27Q.
Identifiers: ClinVar variation 464101 (VCV000464101.8), dbSNP rs1039181282, ClinGen allele CA306142410.
Genomic context (GRCh38, chr19:17,844,337, plus strand): 5'-GTCCCCAAAGGAGAAAGATAGGCGCTGGGGGGGCCCGGGGCCCCGAGCGGGCAGCAGCAC[A>T]TGCAGGGCACCAGCCTCCGTGGACAAGAGGCTGCATGAACGCTGAGGGATCAGGGGCGTC-3'
Protein context (NP_000206.2, residues 17-37): SLLSTEAGAL[His27Gln]VLLPARGPGP